The following is an entry in ClinVar:

NM_002691.4(POLD1):c.835_837del (p.Glu279del)

Gene: POLD1 (DNA polymerase delta 1, catalytic subunit; plus strand). Cytogenetic location: 19q13.33.
Variant type: Deletion.
Coding change: c.835_837del on transcript NM_002691.4 (MANE Select); coding-DNA positions 835 to 837, 3 bases deleted (GAG; older notation c.835_837delGAG).
Protein change: p.Glu279del; deletes glutamic acid 279.
Molecular consequence: inframe deletion. On other transcripts: non-coding transcript variant (1).
Genome position (GRCh38, 1-based): chr19:50,402,530-50,402,532, GAG deleted; deleting any 3 consecutive bases within chr19:50,402,528-50,402,532 gives the same sequence; the c. name uses the placement nearest the transcript's 3' end. VCF-style (leftmost placement, unchanged base first): chr19-50402527-AAGG-A. GRCh37 (hg19) VCF-style: chr19-50905784-AAGG-A.
Other names: c.835_837del, p.Glu279del (NM_001256849.1, NM_001308632.1); c.835_837delGAG (NM_001256849.1); short protein forms E279del.
Identifiers: ClinVar variation 484336 (VCV000484336.32), dbSNP rs746341854, ClinGen allele CA9595915.
Genomic context (GRCh38, chr19:50,402,527, plus strand): 5'-ACGGACATCGTCGGCTGCAACTGGCTGGAGCTCCCAGCTGGGAAATACGCCCTGAGGCTG[AAGG>A]AGAAGGTGCAGGGCTTCCCAGGGCAGGGCTGGGTGGGGAGCTGGTACCCTGCTGCCACCG-3'

ClinVar aggregate classification (germline): Uncertain significance. Review status: criteria provided, multiple submitters, no conflicts (2 of 4 stars). 9 submissions from 9 submitters: Uncertain significance (7). 2 of the submissions do not count toward it. Last evaluated 2026-01-31.

Conditions:
POLD1-related disorder. Also called: POLD1-related disorders; POLD1-related condition.
Hereditary cancer-predisposing syndrome. Also called: Tumor predisposition; Hereditary Cancer Syndrome; Hereditary neoplastic syndrome; Neoplastic Syndromes, Hereditary. Identifiers: Orphanet 140162, MedGen C0027672, MeSH D009386, MONDO:0015356.
POLD1-related polyposis and colorectal cancer syndrome (CRCS10). Also called: Colorectal cancer 10; COLORECTAL CANCER, SUSCEPTIBILITY TO, ON CHROMOSOME 19q; Colorectal cancer, susceptibility to, 10. Identifiers: Orphanet 220460, MedGen C2675481, MONDO:0012953, OMIM 612591.

Submissions (9):

Labcorp Genetics (formerly Invitae), Labcorp
Classification: Uncertain significance for POLD1-related polyposis and colorectal cancer syndrome. Last evaluated: 2026-01-31. Review status: criteria provided, single submitter. Criteria: Invitae Variant Classification Sherloc (09022015). Collection method: clinical testing. Allele origin: germline.
Comment: This variant, c.835_837del, results in the deletion of 1 amino acid(s) of the POLD1 protein (p.Glu279del), but otherwise preserves the integrity of the reading frame. This variant is present in population databases (rs746341854, gnomAD 0.003%). This variant has been observed in individual(s) with breast and thyroid cancer (PMID: 34130653). ClinVar contains an entry for this variant (Variation ID: 484336). Experimental studies and prediction algorithms are not available or were not evaluated, and the functional significance of this variant is currently unknown. In summary, the available evidence is currently insufficient to determine the role of this variant in disease. Therefore, it has been classified as a Variant of Uncertain Significance.

Molecular Diagnostics Laboratory, Catalan Institute of Oncology
Classification: Uncertain significance for Hereditary cancer-predisposing syndrome. Last evaluated: 2025-02-18. Review status: criteria provided, single submitter. Criteria: Submitter's publication. Collection method: clinical testing. Allele origin: germline.
Comment: c.835_837del, located in exon 7 of the POLD1 gene, consists in the deletion of 3 nucleotides, predicted to cause an in-frame deletion of 1 amino acid (p.(Glu279del)). This variant is found in 3/243349 alleles at a frequency of 0.001% in the gnomAD v2.1.1 database, non-cancer dataset. To our knowledge, neither relevant clinical data nor well-established functional studies have been reported for this variant. This variant has been reported in the ClinVar database (8x uncertain significance) and has not been reported in LOVD. Based on currently available information, the variant c.835_837del should be considered an uncertain significance variant according to ACMG/AMP classification guidelines.

Ambry Genetics
Classification: Uncertain significance for Hereditary cancer-predisposing syndrome. Last evaluated: 2024-12-11. Review status: criteria provided, single submitter. Criteria: Ambry Variant Classification Scheme 2023. Collection method: clinical testing. Allele origin: germline.
Comment: The c.835_837delGAG variant (also known as p.E279del) is located in coding exon 6 of the POLD1 gene. This variant results from an in-frame GAG deletion at nucleotide positions 835 to 837. This results in the in-frame deletion of a glutamic acid at codon 279. This amino acid position is not well conserved in available vertebrate species. In addition, this alteration is predicted to be neutral by in silico analysis (Choi Y et al. PLoS ONE. 2012; 7(10):e46688). Based on the available evidence, the clinical significance of this variant remains unclear.

GeneDx
Classification: Uncertain significance. Last evaluated: 2024-10-06. Review status: criteria provided, single submitter. Criteria: GeneDx Variant Classification Process June 2021. Collection method: clinical testing. Allele origin: germline. Affected: yes.
Comment: In-frame deletion of 1 amino acid in a non-repeat region; In silico analysis indicates that this variant does not alter protein structure/function; Observed in an individual with thyroid and breast cancer (PMID: 34130653); Not observed at significant frequency in large population cohorts (gnomAD); This variant is associated with the following publications: (PMID: 29056344, 34130653)

Women's Health and Genetics/Laboratory Corporation of America, LabCorp
Classification: Uncertain significance. Last evaluated: 2022-11-21. Review status: criteria provided, single submitter. Criteria: LabCorp Variant Classification Summary - May 2015. Collection method: clinical testing. Allele origin: germline.
Comment: Variant summary: POLD1 c.835_837delGAG (p.Glu279del) results in an in-frame deletion that is predicted to remove one amino acid from the encoded protein. The variant allele was found at a frequency of 1.3e-05 in 222876 control chromosomes. The available data on variant occurrences in the general population are insufficient to allow any conclusion about variant significance. c.835_837delGAG has been reported in the literature in at least one individual affected with Thyroid and Breast Cancer without evidence of causality (Bakos_2021). This report does not provide unequivocal conclusions about association of the variant with Colorectal Cancer. To our knowledge, no experimental evidence demonstrating an impact on protein function has been reported. Seven clinical diagnostic laboratories have submitted clinical-significance assessments for this variant to ClinVar after 2014 without evidence for independent evaluation. All laboratories classified the variant as uncertain significance. Based on the evidence outlined above, the variant was classified as uncertain significance.

Sema4
Classification: Uncertain significance for Hereditary cancer-predisposing syndrome. Last evaluated: 2021-04-23. Review status: criteria provided, single submitter. Criteria: Sema4 Curation Guidelines. Collection method: curation. Allele origin: germline.
Comment: The POLD1 c.835_837delGAG (p.E279del) variant has been reported as a somatic variant in an analysis of hypermutation in >81,000 tumor samples (PMID: 29056344). This variant was observed in 2/99806 chromosomes in the European Non-Finnish subpopulation according to the Genome Aggregation Database (PMID: 32461654). This variant has been reported in ClinVar (Variation ID: 484336). In silico tools suggest the impact of the variant on protein function is inconclusive, though these predictions have not been confirmed by functional studies. The overall evidence is insufficient to meet ACMG/AMP criteria for classifying it as benign or pathogenic. In summary, the clinical significance of this variant is currently uncertain.

Quest Diagnostics Nichols Institute San Juan Capistrano
Classification: Uncertain significance. Last evaluated: 2018-06-05. Review status: criteria provided, single submitter. Criteria: Quest Diagnostics criteria. Collection method: clinical testing. Allele origin: germline.

PreventionGenetics, part of Exact Sciences
Classification: Uncertain significance for POLD1-related condition. Last evaluated: 2024-01-12. Review status: no assertion criteria provided. Collection method: clinical testing. Allele origin: germline. Not counted in ClinVar's aggregate classification.
Comment: The POLD1 c.835_837delGAG variant is predicted to result in an in-frame deletion (p.Glu279del). This variant has been reported in one individual with a history of breast and thyroid cancer (Bakos et al. 2021. PubMed ID: 34130653). This variant is reported in 0.0020% of alleles in individuals of European (Non-Finnish) descent in gnomAD and is interpreted as a variant of uncertain significance in ClinVar. At this time, the clinical significance of this variant is uncertain due to the absence of conclusive functional and genetic evidence.

Counsyl
Classification: Uncertain significance for POLD1-related polyposis and colorectal cancer syndrome. Last evaluated: 2017-02-21. Review status: no assertion criteria provided. Collection method: clinical testing. Allele origin: unknown. Not counted in ClinVar's aggregate classification.

Literature cited by the submitters: PubMed 34130653 (cited by Labcorp Genetics (formerly Invitae), Labcorp and Women's Health and Genetics/Laboratory Corporation of America, LabCorp); PubMed 29056344 (cited by Sema4).